The following is an entry in ClinVar:

NM_004204.5(PIGQ):c.40A>G (p.Thr14Ala)

Gene: PIGQ (phosphatidylinositol glycan anchor biosynthesis class Q; plus strand). Cytogenetic location: 16p13.3.
Variant type: single nucleotide variant.
Coding change: c.40A>G on transcript NM_004204.5 (MANE Select); coding-DNA position 40, A replaced by G.
Protein change: p.Thr14Ala; replaces threonine 14 with alanine.
Molecular consequence: missense variant.
Genome position (GRCh38, 1-based): chr16:574,114, A>G. VCF-style: chr16-574114-A-G. GRCh37 (hg19) VCF-style: chr16-624114-A-G.
Other names: p.Thr14Ala; c.40A>G, p.Thr14Ala (NM_148920.4); c.40A>G (NM_004204.4); short protein forms T14A.
Identifiers: ClinVar variation 1164853 (VCV001164853.17), dbSNP rs2071979, ClinGen allele CA7779761.

ClinVar aggregate classification (germline): Benign. Review status: criteria provided, multiple submitters, no conflicts (2 of 4 stars). 7 submissions from 7 submitters: Benign (7). Last evaluated 2026-02-04.

Conditions:
Developmental and epileptic encephalopathy, 77. Also called: GLYCOSYLPHOSPHATIDYLINOSITOL BIOSYNTHESIS DEFECT 19; MULTIPLE CONGENITAL ANOMALIES-HYPOTONIA-SEIZURES SYNDROME 4; EPILEPTIC ENCEPHALOPATHY, EARLY INFANTILE, 77. Identifiers: MedGen C5231405, MONDO:0032808, OMIM 618548.
Epilepsy. Also called: Seizure disorder. Identifiers: MedGen C0014544, MeSH D004827, MONDO:0005027.

Allele frequency attached by ClinVar (database versions not stated): ESP Exome Variant Server 0.43178; gnomAD exomes 0.44681 and 0.48670; TOPMed 0.45314; gnomAD 0.45338 and 0.46192; ExAC 0.49083; 1000 Genomes Project 30x 0.52920; 1000 Genomes Project 0.53195.
gnomAD v4.1: 720,895 of 1,609,226 alleles (45%); highest among the groups gnomAD compares: East Asian, 66%; 166,056 homozygotes.

Submissions (7):

Labcorp Genetics (formerly Invitae), Labcorp
Classification: Benign for Epilepsy. Last evaluated: 2026-02-04. Review status: criteria provided, single submitter. Criteria: Invitae Variant Classification Sherloc (09022015). Collection method: clinical testing. Allele origin: germline.

Blueprint Genetics
Classification: Benign. Last evaluated: 2024-11-27. Review status: criteria provided, single submitter. Criteria: ACMG Guidelines, 2015. Collection method: clinical testing. Allele origin: germline.

Unidad de Genómica Garrahan, Hospital de Pediatría Garrahan
Classification: Benign. Last evaluated: 2024-07-15. Review status: criteria provided, single submitter. Criteria: ACMG Guidelines, 2015. Collection method: clinical testing. Allele origin: germline. Affected: no. Observed: 66 variant alleles.
Comment: This variant is classified as Benign based on local population frequency. This variant was detected in 71% of patients studied in a panel designed for Epileptic and Developmental Encephalopathy and Progressive Myoclonus Epilepsy. Number of patients: 66. Only high quality variants are reported.

Mayo Clinic Laboratories, Mayo Clinic
Classification: Benign. Last evaluated: 2021-11-29. Review status: criteria provided, single submitter. Criteria: ACMG Guidelines, 2015. Collection method: clinical testing. Allele origin: germline. Observed: 173 variant alleles.

Genome-Nilou Lab
Classification: Benign for Developmental and epileptic encephalopathy, 77. Last evaluated: 2021-07-14. Review status: criteria provided, single submitter. Criteria: ACMG Guidelines, 2015. Collection method: clinical testing. Allele origin: germline. Affected: no.

GeneDx
Classification: Benign. Last evaluated: 2019-02-08. Review status: criteria provided, single submitter. Criteria: GeneDx Variant Classification Process June 2021. Collection method: clinical testing. Allele origin: germline. Affected: yes.

Breakthrough Genomics
Classification: Benign. Review status: criteria provided, single submitter. Criteria: ACMG Guidelines, 2015. Collection method: not provided. Allele origin: germline. Inheritance: Autosomal recessive inheritance. Affected: yes.